The following is an entry in ClinVar:

NM_018136.5(ASPM):c.6915C>G (p.His2305Gln)

Gene: ASPM (assembly factor for spindle microtubules; minus strand). Cytogenetic location: 1q31.3.
Variant type: single nucleotide variant.
Coding change: c.6915C>G on transcript NM_018136.5 (MANE Select); coding-DNA position 6915, C replaced by G.
Protein change: p.His2305Gln; replaces histidine 2305 with glutamine.
Molecular consequence: missense variant. On other transcripts: intron variant (1).
Genome position (GRCh38, 1-based): chr1:197,102,336, G>C on the plus strand (C>G on the coding strand, the complement: ASPM is on the minus strand). VCF-style: chr1-197102336-G-C. GRCh37 (hg19) VCF-style: chr1-197071466-G-C.
Other names: c.4066-6172C>G (NM_001206846.2); short protein forms H2305Q.
Identifiers: ClinVar variation 1999847 (VCV001999847.3), dbSNP rs1363484310, ClinGen allele CA344020997.
Genomic context (GRCh38, chr1:197,102,336, plus strand): 5'-CCATCTTCTGTATGATGACTGGATTTTAATAACTGCATTTTGTACCTGAAGGAACTGTAA[G>C]TGATGCTTTGTACAAAGATGTGCCCGATATTTTCTCTGAATCAAAATAGCAGTTTTCTTG-3'
Protein context (NP_060606.3, residues 2295-2315): KYRAHLCTKH[His2305Gln]LQFLQVQNAV

ClinVar aggregate classification (germline): Uncertain significance (1 of 4 stars; one submission).

gnomAD v4.1: 5 of 1,612,592 alleles (0.00031%); highest among the groups gnomAD compares: Non-Finnish European, 0.00042%; no homozygotes.

Submission:

Labcorp Genetics (formerly Invitae), Labcorp
Classification: Uncertain significance. Last evaluated: 2025-10-22. Review status: criteria provided, single submitter. Criteria: Invitae Variant Classification Sherloc (09022015). Collection method: clinical testing. Allele origin: germline.
Comment: This sequence change replaces histidine, which is basic and polar, with glutamine, which is neutral and polar, at codon 2305 of the ASPM protein (p.His2305Gln). This variant is present in population databases (no rsID available, gnomAD 0.0009%). This variant has not been reported in the literature in individuals affected with ASPM-related conditions. ClinVar contains an entry for this variant (Variation ID: 1999847). Invitae Evidence Modeling of protein sequence and biophysical properties (such as structural, functional, and spatial information, amino acid conservation, physicochemical variation, residue mobility, and thermodynamic stability) indicates that this missense variant is not expected to disrupt ASPM protein function with a negative predictive value of 80%. In summary, the available evidence is currently insufficient to determine the role of this variant in disease. Therefore, it has been classified as a Variant of Uncertain Significance.